The following is an entry in ClinVar:

NM_004655.4(AXIN2):c.66G>A (p.Pro22=)

Gene: AXIN2 (axin 2; minus strand). Cytogenetic location: 17q24.1.
Variant type: single nucleotide variant.
Coding change: c.66G>A on transcript NM_004655.4 (MANE Select); coding-DNA position 66, G replaced by A.
Protein change: p.Pro22=; no amino-acid change (proline 22 retained).
Molecular consequence: synonymous variant.
Genome position (GRCh38, 1-based): chr17:65,558,555, C>T on the plus strand (G>A on the coding strand, the complement: AXIN2 is on the minus strand). VCF-style: chr17-65558555-C-T. GRCh37 (hg19) VCF-style: chr17-63554673-C-T.
Other names: c.66G>A, p.Pro22= (NM_001363813.1).
Identifiers: ClinVar variation 1754982 (VCV001754982.4), dbSNP rs2144591661, ClinGen allele CA501691673.

ClinVar aggregate classification (germline): Benign/Likely benign. Review status: criteria provided, multiple submitters, no conflicts (2 of 4 stars). 3 submissions from 3 submitters: Benign (1); Likely benign (2). Last evaluated 2025-05-21.

Conditions:
Hereditary cancer-predisposing syndrome. Also called: Neoplastic Syndromes, Hereditary; Tumor predisposition; Hereditary Cancer Syndrome; Hereditary neoplastic syndrome. Identifiers: Orphanet 140162, MedGen C0027672, MeSH D009386, MONDO:0015356.
Oligodontia-cancer predisposition syndrome. Also called: TOOTH AGENESIS-COLORECTAL CANCER SYNDROME. Identifiers: Orphanet 300576, MedGen C1837750, MONDO:0012075, OMIM 608615. Disease mechanism: loss of function.

gnomAD v4.1: 3 of 1,613,170 alleles (0.00019%); highest among the groups gnomAD compares: Non-Finnish European, 0.00025%; no homozygotes.

Submissions (3):

Labcorp Genetics (formerly Invitae), Labcorp
Classification: Likely benign for Oligodontia-cancer predisposition syndrome. Last evaluated: 2025-05-21. Review status: criteria provided, single submitter. Criteria: Invitae Variant Classification Sherloc (09022015). Collection method: clinical testing. Allele origin: germline.

Myriad Genetics, Inc.
Classification: Benign for Oligodontia-cancer predisposition syndrome. Last evaluated: 2024-06-25. Review status: criteria provided, single submitter. Criteria: Myriad Autosomal Dominant, Autosomal Recessive and X-Linked Classification Criteria (2023). Collection method: clinical testing. Allele origin: unknown.
Comment: This variant is considered benign. This variant is a silent/synonymous amino acid change and it is not expected to impact splicing.

Ambry Genetics
Classification: Likely benign for Hereditary cancer-predisposing syndrome. Last evaluated: 2022-04-09. Review status: criteria provided, single submitter. Criteria: Ambry Variant Classification Scheme 2023. Collection method: clinical testing. Allele origin: germline.